The following is an entry in ClinVar:

NM_172107.4(KCNQ2):c.830C>T (p.Thr277Ile)

Gene: KCNQ2 (potassium voltage-gated channel subfamily Q member 2; minus strand). Cytogenetic location: 20q13.33.
Variant type: single nucleotide variant.
Coding change: c.830C>T on transcript NM_172107.4 (MANE Select); coding-DNA position 830, C replaced by T.
Protein change: p.Thr277Ile; replaces threonine 277 with isoleucine.
Molecular consequence: missense variant.
Genome position (GRCh38, 1-based): chr20:63,439,695, G>A on the plus strand (C>T on the coding strand, the complement: KCNQ2 is on the minus strand). VCF-style: chr20-63439695-G-A. GRCh37 (hg19) VCF-style: chr20-62071048-G-A.
Other names: c.830C>T, p.Thr277Ile (NM_001382235.1, NM_004518.6, NM_172106.3 and 2 more transcripts); c.830C>T (NM_172107.3); short protein forms T277I.
Identifiers: ClinVar variation 2573141 (VCV002573141.4), dbSNP rs1600755607, ClinGen allele CA409652734.
Genomic context (GRCh38, chr20:63,439,695, plus strand): 5'-AAGGTTGCCGCAAGGAGCCTGCCGTTCCAGGTCTGGGGGTACTTGTCCCCGTAGCCAATG[G>A]TGGTCAGCGTGATCTGTGGGACCGCAGGCTCTAGTCACACGAAGGGCCTGCTCACACCCC-3'
Protein context (NP_742105.1, residues 267-287): ALWWGLITLT[Thr277Ile]IGYGDKYPQT

ClinVar aggregate classification (germline): Pathogenic (1 of 4 stars; one submission).

Conditions:
KCNQ2-Related Disorders. Also called: KCNQ2-related condition; KCNQ2-related disorder. Identifiers: MedGen CN169299.

Submissions (7):

Rady Children's Institute for Genomic Medicine, Rady Children's Hospital San Diego
Classification: Pathogenic for KCNQ2-Related Disorders. Review status: criteria provided, single submitter. Criteria: ACMG Guidelines, 2015. Collection method: clinical testing. Allele origin: germline. Affected: yes.
Comment: This variant has been previously reported as a de novo heterozygous change in two children with severe ID/DD and seizures (partial, febrile and tonic with cyanosis followed by focal clonic activity, with a distinct aEEG pattern), consistent with early infantile epileptic encephalopathy (EIEE) (PMID: 26544041, 28926830). The c.830C>T (p.Thr277Ile) variant is located in the pore region of the potassium channel, which is a known hotspot domain for pathogenic variations associated with Epileptic Encephalopathies (PMID: 35269516). The c.830C>T (p.Thr277Ile) variant is absent from the gnomAD population database and thus is presumed to be rare. The c.830C>T (p.Thr277Ile) variant affects a highly conserved amino acid and is predicted by multiple in silico tools to have a deleterious effect on protein function. Analysis of the parental samples was negative for the variant, indicating this variant likely occurred as a de novo event. Based on the available evidence, the c.830C>T (p.Thr277Ile) variant is classified as Pathogenic.

Channelopathy-Associated Epilepsy Research Center
No classification provided (evidence only). Condition: Complex neurodevelopmental disorder. Review status: no classification provided. Collection method: literature only. Allele origin: not applicable. Functional consequence: Severe decrease in peak current, Mild slowing of activation, Normal voltage dependence of activation. Not counted in ClinVar's aggregate classification.
ClinVar note: "not provided" was previously submitted as the classification for the variant. However, the classification appeared to be based only on an observation of functional data so it was converted to no classification on 2025-07-30.

Channelopathy-Associated Epilepsy Research Center
No classification provided (evidence only). Review status: no classification provided. Collection method: in vitro. Allele origin: not applicable. Functional consequence: Decrease in peak current. Not counted in ClinVar's aggregate classification.

Channelopathy-Associated Epilepsy Research Center
No classification provided (evidence only). Review status: no classification provided. Collection method: in vitro. Allele origin: not applicable. Functional consequence: Decrease in peak current. Not counted in ClinVar's aggregate classification.

Channelopathy-Associated Epilepsy Research Center
No classification provided (evidence only). Review status: no classification provided. Collection method: in vitro. Allele origin: not applicable. Functional consequence: Normal voltage dependence of activation. Not counted in ClinVar's aggregate classification.

Channelopathy-Associated Epilepsy Research Center
No classification provided (evidence only). Review status: no classification provided. Collection method: in vitro. Allele origin: not applicable. Functional consequence: Increase in slope of activation. Not counted in ClinVar's aggregate classification.

Channelopathy-Associated Epilepsy Research Center
No classification provided (evidence only). Review status: no classification provided. Collection method: in vitro. Allele origin: not applicable. Functional consequence: Normal rate of activation. Not counted in ClinVar's aggregate classification.

Literature cited by the submitters: PubMed 35104249 (cited by Channelopathy-Associated Epilepsy Research Center).